The following is an entry in ClinVar:

NM_014159.7(SETD2):c.2263C>G (p.Pro755Ala)

Gene: SETD2 (SET domain containing 2, histone lysine methyltransferase; minus strand). Cytogenetic location: 3p21.31.
Variant type: single nucleotide variant.
Coding change: c.2263C>G on transcript NM_014159.7 (MANE Select); coding-DNA position 2263, C replaced by G.
Protein change: p.Pro755Ala; replaces proline 755 with alanine.
Molecular consequence: missense variant. On other transcripts: non-coding transcript variant (1).
Genome position (GRCh38, 1-based): chr3:47,122,373, G>C on the plus strand (C>G on the coding strand, the complement: SETD2 is on the minus strand). VCF-style: chr3-47122373-G-C. GRCh37 (hg19) VCF-style: chr3-47163863-G-C.
Other names: c.2131C>G, p.Pro711Ala (NM_001349370.3); short protein forms P711A, P755A.
Identifiers: ClinVar variation 3360292 (VCV003360292.1).

ClinVar aggregate classification (germline): Uncertain significance (1 of 4 stars; one submission).

gnomAD v4.1: 1 of 1,613,698 alleles (0.000062%); highest among the groups gnomAD compares: Non-Finnish European, 0.000085%; no homozygotes.

Submission:

GeneDx
Classification: Uncertain significance. Last evaluated: 2024-02-13. Review status: criteria provided, single submitter. Criteria: GeneDx Variant Classification Process June 2021. Collection method: clinical testing. Allele origin: germline. Affected: yes.
Comment: Not observed at significant frequency in large population cohorts (gnomAD); In silico analysis supports that this missense variant has a deleterious effect on protein structure/function; Has not been previously published as pathogenic or benign to our knowledge